The following is an entry in ClinVar:

NM_000019.4(ACAT1):c.626dup (p.Asn209fs)

Gene: ACAT1 (acetyl-CoA acetyltransferase 1; plus strand). Cytogenetic location: 11q22.3.
Variant type: Duplication.
Coding change: c.626dup on transcript NM_000019.4 (MANE Select); coding-DNA position 626, one base duplicated (A; older notation c.626dupA).
Protein change: p.Asn209fs; shifts the reading frame from asparagine 209.
Molecular consequence: frameshift variant. On other transcripts: non-coding transcript variant (2).
Genome position (GRCh38, 1-based): chr11:108,140,111, A duplicated; the last of 3 consecutive A bases (chr11:108,140,109-108,140,111); duplicating any one gives the same sequence. VCF-style (leftmost placement, unchanged base first): chr11-108140108-G-GA. GRCh37 (hg19) VCF-style: chr11-108010835-G-GA.
Other names: c.626dup, p.Asn209fs (NM_001386677.1); c.311dup, p.Asn104fs (NM_001386678.1); c.329dup, p.Asn110fs (NM_001386679.1); c.356dup, p.Asn119fs (NM_001386681.1, NM_001386682.1, NM_001386685.1 and 6 more transcripts); short protein forms N104fs, N110fs, N119fs, N209fs.
Identifiers: ClinVar variation 2680324 (VCV002680324.3), dbSNP rs2496621683, ClinGen allele CA2695198963.

ClinVar aggregate classification (germline): Pathogenic/Likely pathogenic. Review status: criteria provided, multiple submitters, no conflicts (2 of 4 stars). 2 submissions from 2 submitters: Pathogenic (1); Likely pathogenic (1). Last evaluated 2025-08-07.

Conditions:
Deficiency of acetyl-CoA acetyltransferase. Also called: Beta-ketothiolase deficiency; MITOCHONDRIAL ACETOACETYL-CoA THIOLASE DEFICIENCY; 3-KETOTHIOLASE DEFICIENCY; 3-OXOTHIOLASE DEFICIENCY. Identifiers: Orphanet 134, MedGen C1536500, MONDO:0008760, OMIM 203750. Disease mechanism: loss of function.

Submissions (2):

Myriad Genetics, Inc.
Classification: Pathogenic for Deficiency of acetyl-CoA acetyltransferase. Last evaluated: 2025-08-07. Review status: criteria provided, single submitter. Criteria: Myriad Autosomal Dominant, Autosomal Recessive and X-Linked Classification Criteria (2023). Collection method: clinical testing. Allele origin: unknown.
Comment: NM_000019.3(ACAT1):c.626dupA(N209Kfs*2) is expected to be pathogenic in the context of beta-ketothiolase deficiency. This variant is predicted to lead to an abnormal or absent protein product due to the creation of a premature termination codon in ACAT1, a gene where loss-of-function variants are known to be pathogenic. Please note: this variant was assessed in the context of healthy population screening.

Baylor Genetics
Classification: Likely pathogenic for Deficiency of acetyl-CoA acetyltransferase. Last evaluated: 2024-01-03. Review status: criteria provided, single submitter. Criteria: ACMG Guidelines, 2015. Collection method: clinical testing. Allele origin: unknown.